The following is an entry in ClinVar:

ClinVar aggregate classification (germline): Uncertain significance (1 of 4 stars; one submission).

Conditions:
Hereditary cancer-predisposing syndrome. Also called: Neoplastic Syndromes, Hereditary; Tumor predisposition; Hereditary neoplastic syndrome; Hereditary Cancer Syndrome. Identifiers: Orphanet 140162, MedGen C0027672, MeSH D009386, MONDO:0015356.

Submission:

Ambry Genetics
Classification: Uncertain significance for Hereditary cancer-predisposing syndrome. Last evaluated: 2019-09-20. Review status: criteria provided, single submitter. Criteria: Ambry Variant Classification Scheme 2023. Collection method: clinical testing. Allele origin: germline.
Comment: The p.I151F variant (also known as c.451A>T), located in coding exon 5 of the BMPR1A gene, results from an A to T substitution at nucleotide position 451. The isoleucine at codon 151 is replaced by phenylalanine, an amino acid with highly similar properties. This amino acid position is not well conserved in available vertebrate species. In addition, this alteration is predicted to be tolerated by in silico analysis. Since supporting evidence is limited at this time, the clinical significance of this alteration remains unclear.

NM_004329.3(BMPR1A):c.451A>T (p.Ile151Phe)

Gene: BMPR1A (bone morphogenetic protein receptor type 1A; plus strand). Cytogenetic location: 10q23.2.
Variant type: single nucleotide variant.
Coding change: c.451A>T on transcript NM_004329.3 (MANE Select); coding-DNA position 451, A replaced by T.
Protein change: p.Ile151Phe; replaces isoleucine 151 with phenylalanine.
Molecular consequence: missense variant.
Genome position (GRCh38, 1-based): chr10:86,900,047, A>T. VCF-style: chr10-86900047-A-T. GRCh37 (hg19) VCF-style: chr10-88659804-A-T.
Other names: short protein forms I151F.
Identifiers: ClinVar variation 824966 (VCV000824966.4), dbSNP rs1589768211, ClinGen allele CA377450221.